The following is an entry in ClinVar:

ClinVar aggregate classification (germline): Uncertain significance. Review status: criteria provided, multiple submitters, no conflicts (2 of 4 stars). 2 submissions from 2 submitters: Uncertain significance (2). Last evaluated 2023-12-17.

Conditions:
Cardiovascular phenotype. Identifiers: MedGen CN230736.
Capillary malformation-arteriovenous malformation syndrome. Also called: Capillary malformation-arteriovenous malformation. Identifiers: Orphanet 137667, MedGen C1842180, MONDO:0012016.

Submissions (2):

Labcorp Genetics (formerly Invitae), Labcorp
Classification: Uncertain significance for Capillary malformation-arteriovenous malformation syndrome. Last evaluated: 2023-12-17. Review status: criteria provided, single submitter. Criteria: Invitae Variant Classification Sherloc (09022015). Collection method: clinical testing. Allele origin: germline.
Comment: This sequence change replaces tyrosine, which is neutral and polar, with histidine, which is basic and polar, at codon 480 of the RASA1 protein (p.Tyr480His). This variant is not present in population databases (gnomAD no frequency). This variant has not been reported in the literature in individuals affected with RASA1-related conditions. ClinVar contains an entry for this variant (Variation ID: 2453886). An algorithm developed to predict the effect of missense changes on protein structure and function (PolyPhen-2) suggests that this variant is likely to be disruptive. In summary, the available evidence is currently insufficient to determine the role of this variant in disease. Therefore, it has been classified as a Variant of Uncertain Significance.

Ambry Genetics
Classification: Uncertain significance for Cardiovascular phenotype. Last evaluated: 2022-11-19. Review status: criteria provided, single submitter. Criteria: Ambry Variant Classification Scheme 2023. Collection method: clinical testing. Allele origin: germline.
Comment: The p.Y480H variant (also known as c.1438T>C), located in coding exon 10 of the RASA1 gene, results from a T to C substitution at nucleotide position 1438. The tyrosine at codon 480 is replaced by histidine, an amino acid with similar properties. This amino acid position is conserved. In addition, this alteration is predicted to be tolerated by in silico analysis. Since supporting evidence is limited at this time, the clinical significance of this alteration remains unclear.

NM_002890.3(RASA1):c.1438T>C (p.Tyr480His)

Genes: CCNH (cyclin H; minus strand), RASA1 (RAS p21 protein activator 1; plus strand). Cytogenetic location: 5q14.3.
Variant type: single nucleotide variant.
Coding change: c.1438T>C on transcript NM_002890.3 (MANE Select); coding-DNA position 1438, T replaced by C.
Protein change: p.Tyr480His; replaces tyrosine 480 with histidine.
Molecular consequence: missense variant. On other transcripts: intron variant (1).
Genome position (GRCh38, 1-based): chr5:87,362,656, T>C. VCF-style: chr5-87362656-T-C. GRCh37 (hg19) VCF-style: chr5-86658473-T-C.
Other names: c.907T>C, p.Tyr303His (NM_022650.3); c.933+32388A>G (NM_001364075.2); short protein forms Y303H, Y480H.
Identifiers: ClinVar variation 2453886 (VCV002453886.5), dbSNP rs2112457207, ClinGen allele CA360368063.